The following is an entry in ClinVar:

NM_001029883.3(PCARE):c.3541_3542del (p.Leu1181fs)

Gene: PCARE (photoreceptor cilium actin regulator; minus strand). Cytogenetic location: 2p23.2.
Variant type: Microsatellite.
Coding change: c.3541_3542del on transcript NM_001029883.3 (MANE Select); coding-DNA positions 3541 to 3542, 2 bases deleted (CT; older notation c.3541_3542delCT).
Protein change: p.Leu1181fs; shifts the reading frame from leucine 1181.
Molecular consequence: frameshift variant.
Genome position (GRCh38, 1-based): chr2:29,070,720-29,070,721, AG deleted on the plus strand (CT on the coding strand, the reverse complement: PCARE is on the minus strand); deleting any 2 consecutive bases within chr2:29,070,720-29,070,723 gives the same sequence; the c. name uses the placement nearest the transcript's 3' end. VCF-style (leftmost placement, unchanged base first): chr2-29070719-CAG-C. GRCh37 (hg19) VCF-style: chr2-29293585-CAG-C.
Other names: short protein forms L1181fs.
Identifiers: ClinVar variation 1350516 (VCV001350516.6), dbSNP rs2148414753, ClinGen allele CA2580611262.

ClinVar aggregate classification (germline): Pathogenic (1 of 4 stars; one submission).

Submission:

Labcorp Genetics (formerly Invitae), Labcorp
Classification: Pathogenic. Last evaluated: 2025-11-18. Review status: criteria provided, single submitter. Criteria: Invitae Variant Classification Sherloc (09022015). Collection method: clinical testing. Allele origin: germline.
Comment: This sequence change creates a premature translational stop signal (p.Leu1181Valfs*15) in the PCARE gene. It is expected to result in an absent or disrupted protein product. Loss-of-function variants in PCARE are known to be pathogenic (PMID: 20398886, 24339724, 26496393). This variant is not present in population databases (gnomAD no frequency). This variant has not been reported in the literature in individuals affected with PCARE-related conditions. For these reasons, this variant has been classified as Pathogenic.

Literature cited by the submitters: PubMed 20398886; PubMed 24339724; PubMed 26496393.